The following is an entry in ClinVar:

NM_130384.3(ATRIP):c.1184C>T (p.Ser395Leu)

Genes: ATRIP (ATR interacting protein; plus strand), ATRIP-TREX1 (ATRIP-TREX1 readthrough; plus strand). Cytogenetic location: 3p21.31.
Variant type: single nucleotide variant.
Coding change: c.1184C>T on transcript NM_130384.3 (MANE Select); coding-DNA position 1184, C replaced by T.
Protein change: p.Ser395Leu; replaces serine 395 with leucine.
Molecular consequence: missense variant. On other transcripts: non-coding transcript variant (1).
Genome position (GRCh38, 1-based): chr3:48,460,238, C>T. VCF-style: chr3-48460238-C-T. GRCh37 (hg19) VCF-style: chr3-48501637-C-T.
Other names: c.803C>T, p.Ser268Leu (NM_001271022.2); c.905C>T, p.Ser302Leu (NM_001271023.2); c.1184C>T, p.Ser395Leu (NM_032166.4); short protein forms S268L, S302L, S395L.
Identifiers: ClinVar variation 3976048 (VCV003976048.1).

ClinVar aggregate classification (germline): Uncertain significance (1 of 4 stars; one submission).

Submission:

Ambry Genetics
Classification: Uncertain significance. Last evaluated: 2025-04-11. Review status: criteria provided, single submitter. Criteria: Ambry Variant Classification Scheme 2023. Collection method: clinical testing. Allele origin: germline.
Comment: The p.S395L variant (also known as c.1184C>T), located in coding exon 8 of the ATRIP gene, results from a C to T substitution at nucleotide position 1184. The serine at codon 395 is replaced by leucine, an amino acid with dissimilar properties. This amino acid position is conserved. In addition, this alteration is predicted to be tolerated by in silico analysis. Based on the available evidence, the clinical significance of this variant remains unclear.